The following is an entry in ClinVar:

NM_001374623.1(PNPLA1):c.1595+221G>C

Gene: PNPLA1 (patatin like domain 1, omega-hydroxyceramide transacylase; plus strand). Cytogenetic location: 6p21.31.
Variant type: single nucleotide variant.
Coding change: c.1595+221G>C on transcript NM_001374623.1 (MANE Select); 221 bases into the intron after coding-DNA position 1595, G replaced by C.
Molecular consequence: intron variant. On other transcripts: 3 prime UTR variant (3).
Genome position (GRCh38, 1-based): chr6:36,307,933, G>C. VCF-style: chr6-36307933-G-C. GRCh37 (hg19) VCF-style: chr6-36275710-G-C.
Other names: c.*217G>C (NM_001145716.2, NM_001145717.1, NM_173676.2).
Identifiers: ClinVar variation 905590 (VCV000905590.4), dbSNP rs150486914, ClinGen allele CA137393782.

ClinVar aggregate classification (germline): Likely benign (1 of 4 stars; one submission).

Conditions:
Autosomal recessive congenital ichthyosis 10 (ARCI10). Identifiers: Orphanet 79394, MedGen C3554355, MONDO:0014011, OMIM 615024.

Allele frequency attached by ClinVar (database versions not stated): gnomAD exomes 0.00021; TOPMed 0.00203; 1000 Genomes Project 0.00339; 1000 Genomes Project 30x 0.00344.
gnomAD v4.1: 359 of 444,490 alleles (0.081%); highest among the groups gnomAD compares: African/African-American, 0.64%; 1 homozygote.

Submission:

Illumina Laboratory Services, Illumina
Classification: Likely benign for Autosomal recessive congenital ichthyosis 10. Last evaluated: 2018-01-13. Review status: criteria provided, single submitter. Criteria: ICSL Variant Classification Criteria 13 December 2019. Collection method: clinical testing. Allele origin: germline.
Comment: This variant was observed in the ICSL laboratory as part of a predisposition screen in an ostensibly healthy population. It had not been previously curated by ICSL or reported in the Human Gene Mutation Database (HGMD: prior to June 1st, 2018), and was therefore a candidate for classification through an automated scoring system. Utilizing variant allele frequency, disease prevalence and penetrance estimates, and inheritance mode, an automated score was calculated to assess if this variant is too frequent to cause the disease. Based on the score and internal cut-off values, a variant classified as likely benign is not then subjected to further curation. The score for this variant resulted in a classification of likely benign for this disease.